The following is an entry in ClinVar:

ClinVar aggregate classification (germline): Uncertain significance (1 of 4 stars; one submission).

Conditions:
FADD-related immunodeficiency. Also called: Infections, recurrent, with encephalopathy, hepatic dysfunction, and cardiovascular malformations; FADD DEFICIENCY. Identifiers: Orphanet 306550, MedGen C3151062, MONDO:0013408, OMIM 613759.

Submission:

Labcorp Genetics (formerly Invitae), Labcorp
Classification: Uncertain significance for FADD-related immunodeficiency. Last evaluated: 2022-02-12. Review status: criteria provided, single submitter. Criteria: Invitae Variant Classification Sherloc (09022015). Collection method: clinical testing. Allele origin: germline.
Comment: In summary, the available evidence is currently insufficient to determine the role of this variant in disease. Therefore, it has been classified as a Variant of Uncertain Significance. Algorithms developed to predict the effect of missense changes on protein structure and function (SIFT, PolyPhen-2, Align-GVGD) all suggest that this variant is likely to be disruptive. This variant has not been reported in the literature in individuals affected with FADD-related conditions. This variant is not present in population databases (gnomAD no frequency). This sequence change replaces tryptophan, which is neutral and slightly polar, with glycine, which is neutral and non-polar, at codon 112 of the FADD protein (p.Trp112Gly).

NM_003824.4(FADD):c.334T>G (p.Trp112Gly)

Gene: FADD (Fas associated via death domain; plus strand). Cytogenetic location: 11q13.3.
Variant type: single nucleotide variant.
Coding change: c.334T>G on transcript NM_003824.4 (MANE Select); coding-DNA position 334, T replaced by G.
Protein change: p.Trp112Gly; replaces tryptophan 112 with glycine.
Molecular consequence: missense variant.
Genome position (GRCh38, 1-based): chr11:70,206,180, T>G. VCF-style: chr11-70206180-T-G. GRCh37 (hg19) VCF-style: chr11-70052286-T-G.
Other names: short protein forms W112G.
Identifiers: ClinVar variation 2097309 (VCV002097309.4), dbSNP rs2497603415, ClinGen allele CA381665972.